The following is an entry in ClinVar:

NM_003803.4(MYOM1):c.1730G>T (p.Gly577Val)

Gene: MYOM1 (myomesin 1; minus strand). Cytogenetic location: 18p11.31.
Variant type: single nucleotide variant.
Coding change: c.1730G>T on transcript NM_003803.4 (MANE Select); coding-DNA position 1730, G replaced by T.
Protein change: p.Gly577Val; replaces glycine 577 with valine.
Molecular consequence: missense variant.
Genome position (GRCh38, 1-based): chr18:3,151,807, C>A on the plus strand (G>T on the coding strand, the complement: MYOM1 is on the minus strand). VCF-style: chr18-3151807-C-A. GRCh37 (hg19) VCF-style: chr18-3151805-C-A.
Other names: c.1730G>T, p.Gly577Val (NM_019856.2); short protein forms G577V.
Identifiers: ClinVar variation 4741833 (VCV004741833.1).
Genomic context (GRCh38, chr18:3,151,807, plus strand): 5'-CGAGATGGGAAACCTATTCCCATTTTATTCACAGCTCGAACTCGGAAGATATAGGAACGA[C>A]CTTCGATCAATCCAGTGACAGGAAAACGAGCAAACTTCACAGGTGTGTCATTGCACTGCG-3'
Protein context (NP_003794.3, residues 567-587): ARFPVTGLIE[Gly577Val]RSYIFRVRAV

ClinVar aggregate classification (germline): Uncertain significance (1 of 4 stars; one submission).

Conditions:
Hypertrophic cardiomyopathy. Also called: HYPERTROPHIC MYOCARDIOPATHY. Identifiers: Orphanet 217569, MedGen C0007194, MeSH D002312, MONDO:0005045, HP:0001639.

Submission:

Labcorp Genetics (formerly Invitae), Labcorp
Classification: Uncertain significance for Hypertrophic cardiomyopathy. Last evaluated: 2025-04-27. Review status: criteria provided, single submitter. Criteria: Invitae Variant Classification Sherloc (09022015). Collection method: clinical testing. Allele origin: germline.
Comment: This sequence change replaces glycine, which is neutral and non-polar, with valine, which is neutral and non-polar, at codon 577 of the MYOM1 protein (p.Gly577Val). This variant is not present in population databases (gnomAD no frequency). This variant has not been reported in the literature in individuals affected with MYOM1-related conditions. Invitae Evidence Modeling of protein sequence and biophysical properties (such as structural, functional, and spatial information, amino acid conservation, physicochemical variation, residue mobility, and thermodynamic stability) has been performed for this missense variant. However, the output from this modeling did not meet the statistical confidence thresholds required to predict the impact of this variant on MYOM1 protein function. In summary, the available evidence is currently insufficient to determine the role of this variant in disease. Therefore, it has been classified as a Variant of Uncertain Significance.